The following is an entry in ClinVar:

ClinVar aggregate classification (germline): Uncertain significance (1 of 4 stars; one submission).

Conditions:
GTP cyclohydrolase I deficiency. Identifiers: MedGen C0268467, MONDO:0100184.
Dystonia 5 (DRD). Also called: GTP Cyclohydrolase 1-Deficient Dopa-Responsive Dystonia; DYSTONIA, PROGRESSIVE, WITH DIURNAL VARIATION; DYSTONIA-PARKINSONISM WITH DIURNAL FLUCTUATION; Dystonia, DOPA-responsive, with or without hyperphenylalaninemia; DYT-GCH1. Identifiers: Orphanet 98808, MedGen C1851920, MONDO:0007495, OMIM 128230.

Submission:

Labcorp Genetics (formerly Invitae), Labcorp
Classification: Uncertain significance for GTP cyclohydrolase I deficiency; Dystonia 5. Last evaluated: 2018-01-24. Review status: criteria provided, single submitter. Criteria: Invitae Variant Classification Sherloc (09022015). Collection method: clinical testing. Allele origin: germline.
Comment: In summary, this variant has uncertain impact on GCH1 function. The available evidence is currently insufficient to determine its role in disease. Therefore, it has been classified as a Variant of Uncertain Significance. A different missense substitution affecting this stop codon (p.*251Argext*35) has been shown to segregate with disease in a family affected with dopa-responsive dystonia (PMID: 12707079). This suggests that stop loss variants may impact GCH1 protein function. This variant has not been reported in the literature in individuals with a GCH1-related disease. This variant is not present in population databases (ExAC no frequency). This sequence change disrupts the translational stop signal of the GCH1 mRNA. It is expected to extend the length of the GCH1 protein by 35 additional amino acid residues.

Literature cited by the submitters: PubMed 12707079.

NM_000161.3(GCH1):c.753A>C (p.Ter251Cys)

Gene: GCH1 (GTP cyclohydrolase 1; minus strand). Cytogenetic location: 14q22.2.
Variant type: single nucleotide variant.
Coding change: c.753A>C on transcript NM_000161.3 (MANE Select); coding-DNA position 753, A replaced by C.
Protein change: p.Ter251Cys.
Molecular consequence: stop lost. On other transcripts: intron variant (2).
Genome position (GRCh38, 1-based): chr14:54,844,017, T>G on the plus strand (A>C on the coding strand, the complement: GCH1 is on the minus strand). VCF-style: chr14-54844017-T-G. GRCh37 (hg19) VCF-style: chr14-55310735-T-G.
Other names: *251C; c.753A>C, p.Ter251Cys (NM_001024024.2); c.627-963A>C (NM_001024071.2); c.627-148A>C (NM_001024070.2).
Identifiers: ClinVar variation 459901 (VCV000459901.8), dbSNP rs1555358379, ClinGen allele CA389786571.